The following is an entry in ClinVar:

ClinVar aggregate classification (germline): Uncertain significance. Review status: criteria provided, multiple submitters, no conflicts (2 of 4 stars). 4 submissions from 4 submitters: Uncertain significance (4). Last evaluated 2026-01-27.

Conditions:
MYH6-related disorder. Also called: MYH6-Related Disorders; MYH6-related condition.
Cardiovascular phenotype. Identifiers: MedGen CN230736.
Hypertrophic cardiomyopathy 14. Identifiers: MedGen C2750467, MONDO:0013197, OMIM 613251.

Allele frequency attached by ClinVar (database versions not stated): ExAC 0.00001; gnomAD 0.00001 and 0.00002; gnomAD exomes 0.00001 and 0.00002; TOPMed 0.00002.
gnomAD v4.1: 21 of 1,587,054 alleles (0.0013%); highest among the groups gnomAD compares: South Asian, 0.0089%; no homozygotes.

Submissions (4):

PreventionGenetics, part of Exact Sciences
Classification: Uncertain significance for MYH6-related condition. Last evaluated: 2026-01-27. Review status: criteria provided, single submitter. Criteria: ACMG Guidelines, 2015. Collection method: clinical testing. Allele origin: germline.
Comment: The MYH6 c.3533G>A variant is predicted to result in the amino acid substitution p.Arg1178Gln. To our knowledge, this variant has not been reported in the literature. This variant is reported in 0.010% of alleles in individuals of South Asian descent in gnomAD. At this time, the clinical significance of this variant is uncertain due to the absence of conclusive functional and genetic evidence.

Ambry Genetics
Classification: Uncertain significance for Cardiovascular phenotype. Last evaluated: 2025-10-14. Review status: criteria provided, single submitter. Criteria: Ambry Variant Classification Scheme 2023. Collection method: clinical testing. Allele origin: germline.
Comment: The p.R1178Q variant (also known as c.3533G>A), located in coding exon 24 of the MYH6 gene, results from a G to A substitution at nucleotide position 3533. The arginine at codon 1178 is replaced by glutamine, an amino acid with highly similar properties. This amino acid position is highly conserved in available vertebrate species. In addition, the in silico prediction for this alteration is inconclusive. Since supporting evidence is limited at this time, the clinical significance of this alteration remains unclear.

Labcorp Genetics (formerly Invitae), Labcorp
Classification: Uncertain significance for Hypertrophic cardiomyopathy 14. Last evaluated: 2024-10-10. Review status: criteria provided, single submitter. Criteria: Invitae Variant Classification Sherloc (09022015). Collection method: clinical testing. Allele origin: germline.
Comment: This sequence change replaces arginine, which is basic and polar, with glutamine, which is neutral and polar, at codon 1178 of the MYH6 protein (p.Arg1178Gln). This variant is present in population databases (rs758572490, gnomAD 0.01%). This variant has not been reported in the literature in individuals affected with MYH6-related conditions. ClinVar contains an entry for this variant (Variation ID: 1677471). Invitae Evidence Modeling of protein sequence and biophysical properties (such as structural, functional, and spatial information, amino acid conservation, physicochemical variation, residue mobility, and thermodynamic stability) indicates that this missense variant is not expected to disrupt MYH6 protein function with a negative predictive value of 80%. In summary, the available evidence is currently insufficient to determine the role of this variant in disease. Therefore, it has been classified as a Variant of Uncertain Significance.

AiLife Diagnostics
Classification: Uncertain significance. Last evaluated: 2021-12-21. Review status: criteria provided, single submitter. Criteria: ACMG Guidelines, 2015. Collection method: clinical testing. Allele origin: germline. Affected: yes. Observed: 2 variant alleles.

NM_002471.4(MYH6):c.3533G>A (p.Arg1178Gln)

Gene: MYH6 (myosin heavy chain 6; minus strand). Cytogenetic location: 14q11.2.
Variant type: single nucleotide variant.
Coding change: c.3533G>A on transcript NM_002471.4 (MANE Select); coding-DNA position 3533, G replaced by A.
Protein change: p.Arg1178Gln; replaces arginine 1178 with glutamine.
Molecular consequence: missense variant.
Genome position (GRCh38, 1-based): chr14:23,390,256, C>T on the plus strand (G>A on the coding strand, the complement: MYH6 is on the minus strand). VCF-style: chr14-23390256-C-T. GRCh37 (hg19) VCF-style: chr14-23859465-C-T.
Other names: short protein forms R1178Q.
Identifiers: ClinVar variation 1677471 (VCV001677471.11), dbSNP rs758572490, ClinGen allele CA7115150.